The following is an entry in ClinVar:

NM_000475.5(NR0B1):c.805G>C (p.Val269Leu)

Gene: NR0B1 (nuclear receptor subfamily 0 group B member 1; minus strand). Cytogenetic location: Xp21.2.
Variant type: single nucleotide variant.
Coding change: c.805G>C on transcript NM_000475.5 (MANE Select); coding-DNA position 805, G replaced by C.
Protein change: p.Val269Leu; replaces valine 269 with leucine.
Molecular consequence: missense variant.
Genome position (GRCh38, 1-based): chrX:30,308,559, C>G on the plus strand (G>C on the coding strand, the complement: NR0B1 is on the minus strand). VCF-style: chrX-30308559-C-G. GRCh37 (hg19) VCF-style: chrX-30326676-C-G.
Other names: short protein forms V269L.
Identifiers: ClinVar variation 3758813 (VCV003758813.2).
Genomic context (GRCh38, chrX:30,308,559, plus strand): 5'-TGCGCACCAGCACCAGCTGCTGGTCCAGGGGCAGCACCTGGAAGCAGGGCAAGTACTTGA[C>G]GAAGCGCAGCGTCTTCAACAGGCCCGCTGAGGCTGCCTCGCAGACCACCTGTGGACTCTT-3'
Protein context (NP_000466.2, residues 259-279): SAGLLKTLRF[Val269Leu]KYLPCFQVLP

ClinVar aggregate classification (germline): Uncertain significance (1 of 4 stars; one submission).

Conditions:
Congenital adrenal hypoplasia, X-linked (AHC). Also called: Isolated X-Linked Adrenal Hypoplasia Congenita; ADRENAL HYPOPLASIA, CONGENITAL, WITH HYPOGONADOTROPIC HYPOGONADISM; X-linked AHC; X-Linked Adrenal Hypoplasia Congenita. Identifiers: Orphanet 95702, MedGen C0342482, MONDO:0010264, OMIM 300200. Disease mechanism: loss of function.
46,XY sex reversal 2. Also called: NR0B1-Related 46,XY CGD; NR0B1-related 46,XY complete gonadal dysgenesis; 46,XY SEX REVERSAL, DAX1-RELATED; Dosage-sensitive sex reversal; 46XY sex reversal 2, dosage-sensitive. Identifiers: MedGen C1848296, MONDO:0010226, OMIM 300018.

Submission:

Labcorp Genetics (formerly Invitae), Labcorp
Classification: Uncertain significance for Congenital adrenal hypoplasia, X-linked; 46,XY sex reversal 2. Last evaluated: 2024-10-16. Review status: criteria provided, single submitter. Criteria: Invitae Variant Classification Sherloc (09022015). Collection method: clinical testing. Allele origin: germline.
Comment: This sequence change replaces valine, which is neutral and non-polar, with leucine, which is neutral and non-polar, at codon 269 of the NR0B1 protein (p.Val269Leu). This variant is present in population databases (rs374077520, gnomAD 0.001%), including at least one homozygous and/or hemizygous individual. This variant has not been reported in the literature in individuals affected with NR0B1-related conditions. Invitae Evidence Modeling of protein sequence and biophysical properties (such as structural, functional, and spatial information, amino acid conservation, physicochemical variation, residue mobility, and thermodynamic stability) has been performed for this missense variant. However, the output from this modeling did not meet the statistical confidence thresholds required to predict the impact of this variant on NR0B1 protein function. In summary, the available evidence is currently insufficient to determine the role of this variant in disease. Therefore, it has been classified as a Variant of Uncertain Significance.